The following is an entry in ClinVar:

ClinVar aggregate classification (germline): Uncertain significance. Review status: criteria provided, multiple submitters, no conflicts (2 of 4 stars). 2 submissions from 2 submitters: Uncertain significance (2). Last evaluated 2025-11-06.

Conditions:
Inborn genetic diseases. Identifiers: MedGen C0950123, MeSH D030342.

Allele frequency attached by ClinVar (database versions not stated): gnomAD exomes 0.00001; ExAC 0.00002; TOPMed 0.00005; gnomAD 0.00007; ESP Exome Variant Server 0.00008.
gnomAD v4.1: 33 of 1,613,740 alleles (0.002%); highest among the groups gnomAD compares: African/African-American, 0.041%; no homozygotes.

Submissions (2):

Labcorp Genetics (formerly Invitae), Labcorp
Classification: Uncertain significance. Last evaluated: 2025-11-06. Review status: criteria provided, single submitter. Criteria: Invitae Variant Classification Sherloc (09022015). Collection method: clinical testing. Allele origin: germline.
Comment: This sequence change replaces leucine, which is neutral and non-polar, with proline, which is neutral and non-polar, at codon 149 of the NEUROG3 protein (p.Leu149Pro). This variant is present in population databases (rs371140464, gnomAD 0.03%). This variant has not been reported in the literature in individuals affected with NEUROG3-related conditions. ClinVar contains an entry for this variant (Variation ID: 1981874). An algorithm developed to predict the effect of missense changes on protein structure and function outputs the following: PolyPhen-2: "Benign". The proline amino acid residue is found in multiple mammalian species, which suggests that this missense change does not adversely affect protein function. In summary, the available evidence is currently insufficient to determine the role of this variant in disease. Therefore, it has been classified as a Variant of Uncertain Significance.

Ambry Genetics
Classification: Uncertain significance for Inborn genetic diseases. Last evaluated: 2025-02-25. Review status: criteria provided, single submitter. Criteria: Ambry Variant Classification Scheme 2023. Collection method: clinical testing. Allele origin: germline.

NM_020999.4(NEUROG3):c.446T>C (p.Leu149Pro)

Gene: NEUROG3 (neurogenin 3; minus strand). Cytogenetic location: 10q22.1.
Variant type: single nucleotide variant.
Coding change: c.446T>C on transcript NM_020999.4 (MANE Select); coding-DNA position 446, T replaced by C.
Protein change: p.Leu149Pro; replaces leucine 149 with proline.
Molecular consequence: missense variant.
Genome position (GRCh38, 1-based): chr10:69,572,598, A>G on the plus strand (T>C on the coding strand, the complement: NEUROG3 is on the minus strand). VCF-style: chr10-69572598-A-G. GRCh37 (hg19) VCF-style: chr10-71332354-A-G.
Other names: c.446T>C (NM_020999.3); short protein forms L149P.
Identifiers: ClinVar variation 1981874 (VCV001981874.3), dbSNP rs371140464, ClinGen allele CA5533705.